The following is an entry in ClinVar:

ClinVar aggregate classification (germline): Uncertain significance. Review status: criteria provided, multiple submitters, no conflicts (2 of 4 stars). 2 submissions from 2 submitters: Uncertain significance (2). Last evaluated 2025-11-19.

Conditions:
Familial hypobetalipoproteinemia 1. Also called: APOB-Related Familial Hypobetalipoproteinemia; Hypobetalipoproteinemia, normotriglyceridemic; Acanthocytosis with hypobetalipoproteinemia. Identifiers: MedGen C4551990, MONDO:0014252, OMIM 615558.
Hypercholesterolemia, autosomal dominant, type B (FHCL2). Also called: Familial Hypercholesterolemia Type B; APOLIPOPROTEIN B-100, FAMILIAL DEFECTIVE; APOLIPOPROTEIN B-100, FAMILIAL LIGAND-DEFECTIVE; HYPERCHOLESTEROLEMIA, FAMILIAL, DUE TO LIGAND-DEFECTIVE APOLIPOPROTEIN B; Hyperlipoproteinemia Type IIb; Familial hypercholesterolemia 2. Identifiers: MedGen C1704417, MONDO:0007751, OMIM 144010.
Cardiovascular phenotype. Identifiers: MedGen CN230736.

gnomAD v4.1: 1 of 1,614,086 alleles (0.000062%); highest among the groups gnomAD compares: Non-Finnish European, 0.000085%; no homozygotes.

Submissions (2):

Ambry Genetics
Classification: Uncertain significance for Cardiovascular phenotype. Last evaluated: 2025-11-19. Review status: criteria provided, single submitter. Criteria: Ambry Variant Classification Scheme 2023. Collection method: clinical testing. Allele origin: germline.

Labcorp Genetics (formerly Invitae), Labcorp
Classification: Uncertain significance for Familial hypobetalipoproteinemia 1; Hypercholesterolemia, autosomal dominant, type B. Last evaluated: 2025-10-21. Review status: criteria provided, single submitter. Criteria: Invitae Variant Classification Sherloc (09022015). Collection method: clinical testing. Allele origin: germline.
Comment: This sequence change replaces tyrosine, which is neutral and polar, with histidine, which is basic and polar, at codon 4534 of the APOB protein (p.Tyr4534His). This variant is not present in population databases (gnomAD no frequency). This variant has not been reported in the literature in individuals affected with APOB-related conditions. Invitae Evidence Modeling of protein sequence and biophysical properties (such as structural, functional, and spatial information, amino acid conservation, physicochemical variation, residue mobility, and thermodynamic stability) indicates that this missense variant is not expected to disrupt APOB protein function with a negative predictive value of 95%. In summary, the available evidence is currently insufficient to determine the role of this variant in disease. Therefore, it has been classified as a Variant of Uncertain Significance.

NM_000384.3(APOB):c.13600T>C (p.Tyr4534His)

Genes: APOB (apolipoprotein B; minus strand), APOB3'MAR (APOB 3' scaffold/matrix attachment region; plus strand). Cytogenetic location: 2p24.1.
Variant type: single nucleotide variant.
Coding change: c.13600T>C on transcript NM_000384.3 (MANE Select); coding-DNA position 13600, T replaced by C.
Protein change: p.Tyr4534His; replaces tyrosine 4534 with histidine.
Molecular consequence: missense variant.
Genome position (GRCh38, 1-based): chr2:21,001,822, A>G on the plus strand (T>C on the coding strand, the complement: APOB is on the minus strand). VCF-style: chr2-21001822-A-G. GRCh37 (hg19) VCF-style: chr2-21224694-A-G.
Other names: short protein forms Y4534H.
Identifiers: ClinVar variation 4613699 (VCV004613699.2).